The following is an entry in ClinVar:

NM_032609.3(COX4I2):c.338T>C (p.Ile113Thr)

Gene: COX4I2 (cytochrome c oxidase subunit 4I2; plus strand). Cytogenetic location: 20q11.21.
Variant type: single nucleotide variant.
Coding change: c.338T>C on transcript NM_032609.3 (MANE Select); coding-DNA position 338, T replaced by C.
Protein change: p.Ile113Thr; replaces isoleucine 113 with threonine.
Molecular consequence: missense variant.
Genome position (GRCh38, 1-based): chr20:31,643,494, T>C. VCF-style: chr20-31643494-T-C. GRCh37 (hg19) VCF-style: chr20-30231297-T-C.
Other names: c.338T>C (NM_032609.2); short protein forms I113T.
Identifiers: ClinVar variation 2067153 (VCV002067153.5), dbSNP rs753597922, ClinGen allele CA9801945.

ClinVar aggregate classification (germline): Uncertain significance. Review status: criteria provided, multiple submitters, no conflicts (2 of 4 stars). 2 submissions from 2 submitters: Uncertain significance (2). Last evaluated 2025-02-22.

Allele frequency attached by ClinVar (database versions not stated): gnomAD 0.00008; ExAC 0.00007.
gnomAD v4.1: 94 of 1,614,054 alleles (0.0058%); highest among the groups gnomAD compares: East Asian, 0.0067%; no homozygotes.

Submissions (2):

Ambry Genetics
Classification: Uncertain significance. Last evaluated: 2025-02-22. Review status: criteria provided, single submitter. Criteria: Ambry Variant Classification Scheme 2023. Collection method: clinical testing. Allele origin: germline.

Labcorp Genetics (formerly Invitae), Labcorp
Classification: Uncertain significance. Last evaluated: 2025-01-06. Review status: criteria provided, single submitter. Criteria: Invitae Variant Classification Sherloc (09022015). Collection method: clinical testing. Allele origin: germline.
Comment: This sequence change replaces isoleucine, which is neutral and non-polar, with threonine, which is neutral and polar, at codon 113 of the COX4I2 protein (p.Ile113Thr). This variant is present in population databases (rs753597922, gnomAD 0.01%). This variant has not been reported in the literature in individuals affected with COX4I2-related conditions. ClinVar contains an entry for this variant (Variation ID: 2067153). An algorithm developed to predict the effect of missense changes on protein structure and function (PolyPhen-2) suggests that this variant is likely to be tolerated. In summary, the available evidence is currently insufficient to determine the role of this variant in disease. Therefore, it has been classified as a Variant of Uncertain Significance.